The following is an entry in ClinVar:

ClinVar aggregate classification (germline): Uncertain significance (1 of 4 stars; one submission).

gnomAD v4.1: 1 of 1,550,392 alleles (0.000064%); highest among the groups gnomAD compares: Admixed American, 0.002%; no homozygotes.

Submission:

Labcorp Genetics (formerly Invitae), Labcorp
Classification: Uncertain significance. Last evaluated: 2024-02-06. Review status: criteria provided, single submitter. Criteria: Invitae Variant Classification Sherloc (09022015). Collection method: clinical testing. Allele origin: germline.
Comment: This sequence change replaces phenylalanine, which is neutral and non-polar, with leucine, which is neutral and non-polar, at codon 1748 of the ZNF469 protein (p.Phe1748Leu). This variant is present in population databases (no rsID available, gnomAD 0.004%). This variant has not been reported in the literature in individuals affected with ZNF469-related conditions. Algorithms developed to predict the effect of missense changes on protein structure and function output the following: SIFT: "Not Available"; PolyPhen-2: "Benign"; Align-GVGD: "Not Available". The leucine amino acid residue is found in multiple mammalian species, which suggests that this missense change does not adversely affect protein function. In summary, the available evidence is currently insufficient to determine the role of this variant in disease. Therefore, it has been classified as a Variant of Uncertain Significance.

NM_001367624.2(ZNF469):c.5328C>A (p.Phe1776Leu)

Gene: ZNF469 (zinc finger protein 469; plus strand). Cytogenetic location: 16q24.2.
Variant type: single nucleotide variant.
Coding change: c.5328C>A on transcript NM_001367624.2 (MANE Select); coding-DNA position 5328, C replaced by A.
Protein change: p.Phe1776Leu; replaces phenylalanine 1776 with leucine.
Molecular consequence: missense variant.
Genome position (GRCh38, 1-based): chr16:88,432,798, C>A. VCF-style: chr16-88432798-C-A. GRCh37 (hg19) VCF-style: chr16-88499206-C-A.
Other names: short protein forms F1776L.
Identifiers: ClinVar variation 3625774 (VCV003625774.2).